The following is an entry in ClinVar:

NM_001267550.2(TTN):c.89040G>A (p.Trp29680Ter)

Genes: TTN (titin; minus strand), TTN-AS1 (TTN antisense RNA 1; plus strand). Cytogenetic location: 2q31.2.
Variant type: single nucleotide variant.
Coding change: c.89040G>A on transcript NM_001267550.2 (MANE Select); coding-DNA position 89040, G replaced by A.
Protein change: p.Trp29680Ter; replaces tryptophan 29680 with a stop codon.
Molecular consequence: nonsense.
Genome position (GRCh38, 1-based): chr2:178,554,071, C>T on the plus strand (G>A on the coding strand, the complement: TTN is on the minus strand). VCF-style: chr2-178554071-C-T. GRCh37 (hg19) VCF-style: chr2-179418798-C-T.
Other names: c.84117G>A, p.Trp28039Ter (NM_001256850.1); c.61845G>A, p.Trp20615Ter (NM_003319.4); c.81336G>A, p.Trp27112Ter (NM_133378.4); c.62220G>A, p.Trp20740Ter (NM_133432.3); c.62421G>A, p.Trp20807Ter (NM_133437.4); short protein forms W20615*, W27112*, W20807*, W28039*, W20740*, W29680*.
Identifiers: ClinVar variation 1878393 (VCV001878393.2), dbSNP rs2469353500, ClinGen allele CA349521437.
Genomic context (GRCh38, chr2:178,554,071, plus strand): 5'-TTCTGTGAGTCCTGTTACTTTTTGTCTGGTGTCACGGATAGTCTCTTTTAGTACTTTAAA[C>T]CATCCTAGGCTCTTCTTGTCTCGTTTTTCAAGGAAATAGCCACTTATATCACTACCGCCA-3'

ClinVar aggregate classification (germline): Likely pathogenic. Review status: criteria provided, multiple submitters, no conflicts (2 of 4 stars). 2 submissions from 2 submitters: Likely pathogenic (2). Last evaluated 2023-11-29.

Conditions:
Cardiovascular phenotype. Identifiers: MedGen CN230736.
Primary familial dilated cardiomyopathy (FDC). Also called: Hypokinetic dilated cardiomyopathy, familial; Familial dilated cardiomyopathy. Identifiers: Orphanet 217607, MedGen C0340427, MONDO:0016333.

Submissions (2):

Ambry Genetics
Classification: Likely pathogenic for Cardiovascular phenotype. Last evaluated: 2023-11-29. Review status: criteria provided, single submitter. Criteria: Ambry Variant Classification Scheme 2023. Collection method: clinical testing. Allele origin: germline.
Comment: The p.W20615* variant (also known as c.61845G>A), located in coding exon 160 of the TTN gene, results from a G to A substitution at nucleotide position 61845. This changes the amino acid from a tryptophan to a stop codon within coding exon 160. This exon is located in the A-band region of the N2-B isoform of the titin protein and is constitutively expressed in TTN transcripts (percent spliced in or PSI 100%). This variant is considered to be rare based on population cohorts in the Genome Aggregation Database (gnomAD). This alteration is expected to result in loss of function by premature protein truncation or nonsense-mediated mRNA decay. While truncating variants in TTN are present in 1-3% of the general population, truncating variants in the A-band are the most common cause of dilated cardiomyopathy (DCM) (Herman DS et al. N. Engl. J. Med., 2012 Feb;366:619-28; Roberts AM et al. Sci Transl Med, 2015 Jan;7:270ra6). TTN truncating variants encoded in constitutive exons (PSI >90%) have been found to be significantly associated with DCM regardless of their position in titin (Schafer S et al. Nat. Genet., 2017 01;49:46-53). Based on the majority of available evidence to date, this variant is likely to be pathogenic.

Women's Health and Genetics/Laboratory Corporation of America, LabCorp
Classification: Likely pathogenic for Primary familial dilated cardiomyopathy. Last evaluated: 2022-12-27. Review status: criteria provided, single submitter. Criteria: LabCorp Variant Classification Summary - May 2015. Collection method: clinical testing. Allele origin: germline.
Comment: Variant summary: TTN c.81336G>A (p.Trp27112X) results in a premature termination codon, predicted to cause a truncation of the encoded protein or absence of the protein due to nonsense mediated decay, which are commonly known mechanisms for disease. Truncations downstream of this position have been classified as pathogenic by our laboratory. The variant was absent in 248594 control chromosomes (gnomAD). To our knowledge, no occurrence of c.81336G>A in individuals affected with Dilated Cardiomyopathy and no experimental evidence demonstrating its impact on protein function have been reported. No clinical diagnostic laboratories have submitted clinical-significance assessments for this variant to ClinVar after 2014. Based on the evidence outlined above, the variant was classified as likely pathogenic.